The following is an entry in ClinVar:

NM_021222.3(PRUNE1):c.735C>T (p.Gly245=)

Gene: PRUNE1 (prune exopolyphosphatase 1; plus strand). Cytogenetic location: 1q21.3.
Variant type: single nucleotide variant.
Coding change: c.735C>T on transcript NM_021222.3 (MANE Select); coding-DNA position 735, C replaced by T.
Protein change: p.Gly245=; no amino-acid change (glycine 245 retained).
Molecular consequence: synonymous variant. On other transcripts: non-coding transcript variant (4).
Genome position (GRCh38, 1-based): chr1:151,027,288, C>T. VCF-style: chr1-151027288-C-T. GRCh37 (hg19) VCF-style: chr1-150999764-C-T.
Other names: c.189C>T, p.Gly63= (NM_001303229.2); c.735C>T, p.Gly245= (NM_001303242.2); c.132C>T, p.Gly44= (NM_001303243.2).
Identifiers: ClinVar variation 2189002 (VCV002189002.6), dbSNP rs374433339, ClinGen allele CA1083865.

ClinVar aggregate classification (germline): Likely benign. Review status: criteria provided, multiple submitters, no conflicts (2 of 4 stars). 2 submissions from 2 submitters: Likely benign (2). Last evaluated 2026-06-01.

Allele frequency attached by ClinVar (database versions not stated): gnomAD 0.00003; ExAC 0.00005; TOPMed 0.00007; ESP Exome Variant Server 0.00008.
gnomAD v4.1: 67 of 1,611,492 alleles (0.0042%); highest among the groups gnomAD compares: Middle Eastern, 0.033%; no homozygotes.

Submissions (2):

CeGaT Center for Human Genetics Tuebingen
Classification: Likely benign. Last evaluated: 2026-06-01. Review status: criteria provided, single submitter. Criteria: CeGaT Center For Human Genetics Tuebingen Variant Classification Criteria Version 2. Collection method: clinical testing. Allele origin: germline. Affected: yes. Observed: 1 variant allele.
Comment: PRUNE1: BP4, BP7

Labcorp Genetics (formerly Invitae), Labcorp
Classification: Likely benign. Last evaluated: 2025-12-23. Review status: criteria provided, single submitter. Criteria: Invitae Variant Classification Sherloc (09022015). Collection method: clinical testing. Allele origin: germline.